The following is an entry in ClinVar:

NM_001852.4(COL9A2):c.352G>T (p.Ala118Ser)

Gene: COL9A2 (collagen type IX alpha 2 chain; minus strand). Cytogenetic location: 1p34.2.
Variant type: single nucleotide variant.
Coding change: c.352G>T on transcript NM_001852.4 (MANE Select); coding-DNA position 352, G replaced by T.
Protein change: p.Ala118Ser; replaces alanine 118 with serine.
Molecular consequence: missense variant.
Genome position (GRCh38, 1-based): chr1:40,312,467, C>A on the plus strand (G>T on the coding strand, the complement: COL9A2 is on the minus strand). VCF-style: chr1-40312467-C-A. GRCh37 (hg19) VCF-style: chr1-40778139-C-A.
Other names: c.352G>T (NM_001852.3); short protein forms A118S.
Identifiers: ClinVar variation 1353937 (VCV001353937.9), dbSNP rs747104088, ClinGen allele CA21042123.

ClinVar aggregate classification (germline): Uncertain significance. Review status: criteria provided, multiple submitters, no conflicts (2 of 4 stars). 2 submissions from 2 submitters: Uncertain significance (2). Last evaluated 2025-11-22.

Conditions:
Inborn genetic diseases. Identifiers: MedGen C0950123, MeSH D030342.

Allele frequency attached by ClinVar (database versions not stated): TOPMed 0.00001.
gnomAD v4.1: 14 of 1,613,744 alleles (0.00087%); highest among the groups gnomAD compares: Non-Finnish European, 0.0012%; no homozygotes.

Submissions (2):

Labcorp Genetics (formerly Invitae), Labcorp
Classification: Uncertain significance. Last evaluated: 2025-11-22. Review status: criteria provided, single submitter. Criteria: Invitae Variant Classification Sherloc (09022015). Collection method: clinical testing. Allele origin: germline.
Comment: This sequence change replaces alanine, which is neutral and non-polar, with serine, which is neutral and polar, at codon 118 of the COL9A2 protein (p.Ala118Ser). This variant is not present in population databases (gnomAD no frequency). This variant has not been reported in the literature in individuals affected with COL9A2-related conditions. ClinVar contains an entry for this variant (Variation ID: 1353937). Invitae Evidence Modeling of protein sequence and biophysical properties (such as structural, functional, and spatial information, amino acid conservation, physicochemical variation, residue mobility, and thermodynamic stability) indicates that this missense variant is not expected to disrupt COL9A2 protein function with a negative predictive value of 95%. In summary, the available evidence is currently insufficient to determine the role of this variant in disease. Therefore, it has been classified as a Variant of Uncertain Significance.

Ambry Genetics
Classification: Uncertain significance for Inborn genetic diseases. Last evaluated: 2023-12-16. Review status: criteria provided, single submitter. Criteria: Ambry Variant Classification Scheme 2023. Collection method: clinical testing. Allele origin: germline.